The following is an entry in ClinVar:

ClinVar aggregate classification (germline): Uncertain significance (1 of 4 stars; one submission).

Submission:

Ambry Genetics
Classification: Uncertain significance. Last evaluated: 2024-02-04. Review status: criteria provided, single submitter. Criteria: Ambry Variant Classification Scheme 2023. Collection method: clinical testing. Allele origin: germline.
Comment: The p.S917F variant (also known as c.2750C>T), located in coding exon 4 of the ALPK2 gene, results from a C to T substitution at nucleotide position 2750. The serine at codon 917 is replaced by phenylalanine, an amino acid with highly dissimilar properties. This amino acid position is conserved. In addition, this alteration is predicted to be tolerated by in silico analysis. Based on the available evidence, the clinical significance of this alteration remains unclear.

NM_052947.4(ALPK2):c.2750C>T (p.Ser917Phe)

Gene: ALPK2 (alpha kinase 2; minus strand). Cytogenetic location: 18q21.31.
Variant type: single nucleotide variant.
Coding change: c.2750C>T on transcript NM_052947.4 (MANE Select); coding-DNA position 2750, C replaced by T.
Protein change: p.Ser917Phe; replaces serine 917 with phenylalanine.
Molecular consequence: missense variant.
Genome position (GRCh38, 1-based): chr18:58,537,437, G>A on the plus strand (C>T on the coding strand, the complement: ALPK2 is on the minus strand). VCF-style: chr18-58537437-G-A. GRCh37 (hg19) VCF-style: chr18-56204669-G-A.
Other names: short protein forms S917F.
Identifiers: ClinVar variation 3228647 (VCV003228647.1), dbSNP rs2518877285, ClinGen allele CA402569858.